The following is an entry in ClinVar:

NM_138704.4(NSMCE3):c.240G>T (p.Arg80Ser)

Genes: ENTREP2 (endosomal transmembrane epsin interactor 2; minus strand), NSMCE3 (NSE3 homolog, SMC5-SMC6 complex component; minus strand). Cytogenetic location: 15q13.1.
Variant type: single nucleotide variant.
Coding change: c.240G>T on transcript NM_138704.4 (MANE Select); coding-DNA position 240, G replaced by T.
Protein change: p.Arg80Ser; replaces arginine 80 with serine.
Molecular consequence: missense variant. On other transcripts: intron variant (5).
Genome position (GRCh38, 1-based): chr15:29,269,466, C>A on the plus strand (G>T on the coding strand, the complement: NSMCE3 is on the minus strand). VCF-style: chr15-29269466-C-A. GRCh37 (hg19) VCF-style: chr15-29561670-C-A.
Other names: c.-12-16988G>T (NM_001387217.1, NM_001387215.1, NM_001387216.1); c.277-16988G>T (NM_001387214.1, NM_015307.2); short protein forms R80S.
Identifiers: ClinVar variation 1519209 (VCV001519209.5), dbSNP rs1199604828, ClinGen allele CA391484659.

ClinVar aggregate classification (germline): Uncertain significance (1 of 4 stars; one submission).

gnomAD v4.1: 3 of 1,613,170 alleles (0.00019%); highest among the groups gnomAD compares: Non-Finnish European, 0.00017%; no homozygotes.

Submission:

Labcorp Genetics (formerly Invitae), Labcorp
Classification: Uncertain significance. Last evaluated: 2022-03-03. Review status: criteria provided, single submitter. Criteria: Invitae Variant Classification Sherloc (09022015). Collection method: clinical testing. Allele origin: germline.
Comment: This sequence change replaces arginine, which is basic and polar, with serine, which is neutral and polar, at codon 80 of the NSMCE3 protein (p.Arg80Ser). This variant is not present in population databases (gnomAD no frequency). This variant has not been reported in the literature in individuals affected with NSMCE3-related conditions. Algorithms developed to predict the effect of missense changes on protein structure and function are either unavailable or do not agree on the potential impact of this missense change (SIFT: "Tolerated"; PolyPhen-2: "Possibly Damaging"; Align-GVGD: "Class C0"). In summary, the available evidence is currently insufficient to determine the role of this variant in disease. Therefore, it has been classified as a Variant of Uncertain Significance.